The following is an entry in ClinVar:

Conditions:
Breast-ovarian cancer, familial, susceptibility to, 1 (BROVCA1). Also called: BRCA1 Hereditary Breast and Ovarian Cancer; OVARIAN CANCER, SUSCEPTIBILITY TO. Identifiers: Orphanet 145, MedGen C2676676, MONDO:0011450, OMIM 604370. Disease mechanism: loss of function.

Submission:

Brotman Baty Institute, University of Washington
No classification provided (evidence only). Condition: Breast-ovarian cancer, familial 1. Review status: no classification provided. Collection method: in vitro. Allele origin: not applicable. Functional consequence: functionally_normal.
ClinVar note: "not provided" was previously submitted as the classification for the variant. However, the classification appeared to be based only on an observation of functional data so it was converted to no classification on 2025-07-30.

NM_007294.4(BRCA1):c.-15T>A

Gene: BRCA1 (BRCA1 DNA repair associated; minus strand). Cytogenetic location: 17q21.31.
Variant type: single nucleotide variant.
Coding change: c.-15T>A on transcript NM_007294.4 (MANE Select); 15 bases upstream of the start codon, T replaced by A.
Molecular consequence: 5 prime UTR variant. On other transcripts: non-coding transcript variant (1).
Genome position (GRCh38, 1-based): chr17:43,124,111, A>T on the plus strand (T>A on the coding strand, the complement: BRCA1 is on the minus strand). VCF-style: chr17-43124111-A-T. GRCh37 (hg19) VCF-style: chr17-41276128-A-T.
Other names: c.-203T>A (NM_001407571.1, NM_001407853.1, NM_001407879.1 and 42 more transcripts); c.-15T>A (NM_001407581.1, NM_001407582.1, NM_001407583.1 and 169 more transcripts); c.-272T>A (NM_001407694.1, NM_001407724.1, NM_001407727.1 and 11 more transcripts); c.-276T>A (NM_001407695.1, NM_001408465.1); c.-417T>A (NM_001407696.1); c.-301T>A (NM_001407697.1, NM_001407846.1, NM_001407920.1); c.-102T>A (NM_001407698.1, NM_001407732.1, NM_001407736.1 and 21 more transcripts); c.-275T>A (NM_001407725.1, NM_001407730.1, NM_001407734.1 and 22 more transcripts); and 8 more.
Identifiers: ClinVar variation 869033 (VCV000869033.3), dbSNP rs2055750656, ClinGen allele CA916081165.